The following is an entry in ClinVar:

NM_001365999.1(SZT2):c.6013C>T (p.Arg2005Trp)

Gene: SZT2 (SZT2 subunit of KICSTOR complex; plus strand). Cytogenetic location: 1p34.2.
Variant type: single nucleotide variant.
Coding change: c.6013C>T on transcript NM_001365999.1 (MANE Select); coding-DNA position 6013, C replaced by T.
Protein change: p.Arg2005Trp; replaces arginine 2005 with tryptophan.
Molecular consequence: missense variant.
Genome position (GRCh38, 1-based): chr1:43,435,308, C>T. VCF-style: chr1-43435308-C-T. GRCh37 (hg19) VCF-style: chr1-43900979-C-T.
Other names: c.5842C>T, p.Arg1948Trp (NM_015284.4); short protein forms R1948W, R2005W.
Identifiers: ClinVar variation 1750026 (VCV001750026.2), dbSNP rs962274952, ClinGen allele CA21641909.

ClinVar aggregate classification (germline): Uncertain significance (1 of 4 stars; one submission).

Conditions:
Inborn genetic diseases. Identifiers: MedGen C0950123, MeSH D030342.

Allele frequency attached by ClinVar (database versions not stated): gnomAD 0.00001; gnomAD exomes 0.00001.
gnomAD v4.1: 9 of 1,614,024 alleles (0.00056%); highest among the groups gnomAD compares: Non-Finnish European, 0.00076%; no homozygotes.

Submission:

Ambry Genetics
Classification: Uncertain significance for Inborn genetic diseases. Last evaluated: 2018-07-08. Review status: criteria provided, single submitter. Criteria: Ambry Variant Classification Scheme 2023. Collection method: clinical testing. Allele origin: germline.
Comment: The p.R1948W variant (also known as c.5842C>T), located in coding exon 41 of the SZT2 gene, results from a C to T substitution at nucleotide position 5842. The arginine at codon 1948 is replaced by tryptophan, an amino acid with dissimilar properties. This amino acid position is highly conserved in available vertebrate species. In addition, the in silico prediction for this alteration is inconclusive. Since supporting evidence is limited at this time, the clinical significance of this alteration remains unclear.